The following is an entry in ClinVar:

NM_001854.4(COL11A1):c.3229C>G (p.Pro1077Ala)

Gene: COL11A1 (collagen type XI alpha 1 chain; minus strand). Cytogenetic location: 1p21.1.
Variant type: single nucleotide variant.
Coding change: c.3229C>G on transcript NM_001854.4 (MANE Select); coding-DNA position 3229, C replaced by G.
Protein change: p.Pro1077Ala; replaces proline 1077 with alanine.
Molecular consequence: missense variant. On other transcripts: non-coding transcript variant (1).
Genome position (GRCh38, 1-based): chr1:102,946,896, G>C on the plus strand (C>G on the coding strand, the complement: COL11A1 is on the minus strand). VCF-style: chr1-102946896-G-C. GRCh37 (hg19) VCF-style: chr1-103412452-G-C.
Other names: c.3112C>G, p.Pro1038Ala (NM_001190709.2); c.3265C>G, p.Pro1089Ala (NM_080629.3); c.2881C>G, p.Pro961Ala (NM_080630.4); short protein forms P1038A, P1089A, P961A, P1077A.
Identifiers: ClinVar variation 1349520 (VCV001349520.8), dbSNP rs144562769, ClinGen allele CA341171091.
Genomic context (GRCh38, chr1:102,946,896, plus strand): 5'-AGACATTACTTACAGGAGCACCTTTCTCTCCAGCTGGACCAGGAGGACCCTGAGGTCCCG[G>C]GCGCCCTGGTAAACCAATTGGGCCAGCTGTACCTGCTGACCCACGTTCTCCTGGTGAGCC-3'
Protein context (NP_001845.3, residues 1067-1087): TAGPIGLPGR[Pro1077Ala]GPQGPPGPAG

ClinVar aggregate classification (germline): Uncertain significance (1 of 4 stars; one submission).

Submission:

Labcorp Genetics (formerly Invitae), Labcorp
Classification: Uncertain significance. Last evaluated: 2023-08-17. Review status: criteria provided, single submitter. Criteria: Invitae Variant Classification Sherloc (09022015). Collection method: clinical testing. Allele origin: germline.
Comment: In summary, the available evidence is currently insufficient to determine the role of this variant in disease. Therefore, it has been classified as a Variant of Uncertain Significance. Advanced modeling of protein sequence and biophysical properties (such as structural, functional, and spatial information, amino acid conservation, physicochemical variation, residue mobility, and thermodynamic stability) performed at Invitae indicates that this missense variant is not expected to disrupt COL11A1 protein function. ClinVar contains an entry for this variant (Variation ID: 1349520). This variant has not been reported in the literature in individuals affected with COL11A1-related conditions. This variant is not present in population databases (gnomAD no frequency). This sequence change replaces proline, which is neutral and non-polar, with alanine, which is neutral and non-polar, at codon 1077 of the COL11A1 protein (p.Pro1077Ala).